The following is an entry in ClinVar:

ClinVar aggregate classification (germline): Pathogenic. Review status: criteria provided, multiple submitters, no conflicts (2 of 4 stars). 5 submissions from 5 submitters: Pathogenic (5). Last evaluated 2026-01-05.

Conditions:
Hereditary cancer-predisposing syndrome. Also called: Hereditary neoplastic syndrome; Tumor predisposition; Hereditary Cancer Syndrome; Neoplastic Syndromes, Hereditary. Identifiers: Orphanet 140162, MedGen C0027672, MeSH D009386, MONDO:0015356.
Cardiovascular phenotype. Identifiers: MedGen CN230736.
Noonan syndrome 2 (NS2). Identifiers: Orphanet 648, MedGen C1854469, MONDO:0011531, OMIM 605275.

Submissions (5):

Labcorp Genetics (formerly Invitae), Labcorp
Classification: Pathogenic. Last evaluated: 2026-01-05. Review status: criteria provided, single submitter. Criteria: Invitae Variant Classification Sherloc (09022015). Collection method: clinical testing. Allele origin: germline.
Comment: This sequence change creates a premature translational stop signal (p.Lys534Asnfs*22) in the LZTR1 gene. It is expected to result in an absent or disrupted protein product. Loss-of-function variants in LZTR1 are known to be pathogenic (PMID: 24362817, 25335493, 25480913, 25795793, 29469822, 30368668, 30442762, 30442766, 30481304, 30859559). This variant is not present in population databases (gnomAD no frequency). This premature translational stop signal has been observed in individual(s) with schwannomatosis (PMID: 28365909). ClinVar contains an entry for this variant (Variation ID: 1456304). For these reasons, this variant has been classified as Pathogenic.

CeGaT Center for Human Genetics Tuebingen
Classification: Pathogenic. Last evaluated: 2025-09-01. Review status: criteria provided, single submitter. Criteria: CeGaT Center For Human Genetics Tuebingen Variant Classification Criteria Version 2. Collection method: clinical testing. Allele origin: germline. Affected: yes. Observed: 1 variant allele.
Comment: LZTR1: PVS1, PM2, PS4:Moderate

Ambry Genetics
Classification: Pathogenic for Cardiovascular phenotype; Hereditary cancer-predisposing syndrome. Last evaluated: 2025-08-19. Review status: criteria provided, single submitter. Criteria: Ambry Variant Classification Scheme 2023. Collection method: clinical testing. Allele origin: germline.
Comment: The c.1602delA pathogenic mutation, located in coding exon 14 of the LZTR1 gene, results from a deletion of one nucleotide at nucleotide position 1602, causing a translational frameshift with a predicted alternate stop codon (p.K534Nfs*22). This mutation has been reported in multiple individuals with schwannomatosis (Paganini I et al. Eur J Hum Genet, 2015 Jul;23:963-8; Caltabiano R et al. Childs Nerv Syst, 2017 Jun;33:933-940). This variant is considered to be rare based on population cohorts in the Genome Aggregation Database (gnomAD). This alteration is expected to result in loss of function by premature protein truncation or nonsense-mediated mRNA decay. Loss-of-function variants in LZTR1 are related to an increased risk for schwannomas and autosomal recessive Noonan syndrome; however, such associations with autosomal dominant Noonan syndrome have not been observed (Piotrowski A et al. Nat Genet. 2014 Feb;46:182-7; Yamamoto GL et al. J Med Genet. 2015 Jun;52:413-21; Johnston JJ et al. Genet Med. 2018 10;20:1175-1185). Based on the supporting evidence, this variant is pathogenic for an increased risk of LZTR1-related schwannomatosis (SWN) and would be expected to cause autosomal recessive Noonan syndrome when present along with a second pathogenic or likely pathogenic variant on the other allele; however, the association of this alteration with autosomal dominant Noonan syndrome is unlikely.

Women's Health and Genetics/Laboratory Corporation of America, LabCorp
Classification: Pathogenic for Noonan syndrome 2. Last evaluated: 2025-02-13. Review status: criteria provided, single submitter. Criteria: LabCorp Variant Classification Summary - May 2015. Collection method: clinical testing. Allele origin: germline.
Comment: Variant summary: LZTR1 c.1602delA (p.Lys534AsnfsX22) results in a premature termination codon, predicted to cause a truncation of the encoded protein or absence of the protein due to nonsense mediated decay, which are commonly known mechanisms for disease. The variant allele was found at a frequency of 6.3e-07 in 1598494 control chromosomes (gnomAD v4.1). c.1602delA has been reported in the literature in the heterozygous state in individuals affected with Schwannomatosis or Noonan Syndrome (e.g. Paganini_2015, Uliana_2024). The following publications have been ascertained in the context of this evaluation (PMID: 25335493, 39062695). ClinVar contains an entry for this variant (Variation ID: 1456304). Germline loss of function mutations in LZTR1 have been associated with either an inherited autosomal dominant disorder of multiple schwannomas (Piotrowski_2014), autosomal recessive or autosomal dominant Noonan syndrome. Based on the evidence outlined above, the variant was classified as pathogenic.

Clinical Genetics Laboratory, Skane University Hospital Lund
Classification: Pathogenic. Last evaluated: 2023-11-20. Review status: criteria provided, single submitter. Criteria: ACMG Guidelines, 2015. Collection method: clinical testing. Allele origin: germline. Affected: yes.

Literature cited by the submitters: PubMed 24362817 (cited by Labcorp Genetics (formerly Invitae), Labcorp); PubMed 25335493 (cited by 3 submitters); PubMed 25480913 (cited by Labcorp Genetics (formerly Invitae), Labcorp); PubMed 25795793 (cited by Labcorp Genetics (formerly Invitae), Labcorp); PubMed 29469822 (cited by Labcorp Genetics (formerly Invitae), Labcorp); PubMed 30368668 (cited by Labcorp Genetics (formerly Invitae), Labcorp); PubMed 30442762 (cited by Labcorp Genetics (formerly Invitae), Labcorp); PubMed 30442766 (cited by Labcorp Genetics (formerly Invitae), Labcorp); PubMed 30481304 (cited by Labcorp Genetics (formerly Invitae), Labcorp); PubMed 30859559 (cited by Labcorp Genetics (formerly Invitae), Labcorp); PubMed 28365909 (cited by Labcorp Genetics (formerly Invitae), Labcorp and Ambry Genetics); PubMed 39062695 (cited by Women's Health and Genetics/Laboratory Corporation of America, LabCorp).

NM_006767.4(LZTR1):c.1602del (p.Lys534fs)

Gene: LZTR1 (leucine zipper like post translational regulator 1; plus strand). Cytogenetic location: 22q11.21.
Variant type: Deletion.
Coding change: c.1602del on transcript NM_006767.4 (MANE Select); coding-DNA position 1602, one base deleted (A; older notation c.1602delA).
Protein change: p.Lys534fs; shifts the reading frame from lysine 534.
Molecular consequence: frameshift variant.
Genome position (GRCh38, 1-based): chr22:20,994,256, A deleted; the last of 3 consecutive A bases (chr22:20,994,254-20,994,256); deleting any one gives the same sequence. VCF-style (leftmost placement, unchanged base first): chr22-20994253-CA-C. GRCh37 (hg19) VCF-style: chr22-21348542-CA-C.
Other names: c.1602delA (NM_006767.4); short protein forms K534fs.
Identifiers: ClinVar variation 1456304 (VCV001456304.18), dbSNP rs1268674934, ClinGen allele CA751566540.